The following is an entry in ClinVar:

ClinVar aggregate classification (germline): Uncertain significance (1 of 4 stars; one submission).

Conditions:
Short QT syndrome type 3. Identifiers: Orphanet 51083, MedGen C1865018, MONDO:0012314, OMIM 609622.
Andersen Tawil syndrome (LQT7). Also called: Andersen Syndrome; ANDERSEN CARDIODYSRHYTHMIC PERIODIC PARALYSIS; PERIODIC PARALYSIS, POTASSIUM-SENSITIVE CARDIODYSRHYTHMIC TYPE; Potassium-sensitive periodic paralysis, ventricular ectopy, and dysmorphic features; LONG QT SYNDROME 7. Identifiers: Orphanet 37553, MedGen C1563715, MONDO:0008222, OMIM 170390.

Allele frequency attached by ClinVar (database versions not stated): TOPMed 0.00001.

Submission:

Labcorp Genetics (formerly Invitae), Labcorp
Classification: Uncertain significance for Short QT syndrome type 3; Andersen Tawil syndrome. Last evaluated: 2025-03-03. Review status: criteria provided, single submitter. Criteria: Invitae Variant Classification Sherloc (09022015). Collection method: clinical testing. Allele origin: germline.
Comment: This sequence change replaces arginine, which is basic and polar, with cysteine, which is neutral and slightly polar, at codon 80 of the KCNJ2 protein (p.Arg80Cys). This variant is not present in population databases (gnomAD no frequency). This missense change has been observed in individual(s) with clinical features of Andersen-Tawil syndrome (PMID: 22589293, 35460302). ClinVar contains an entry for this variant (Variation ID: 1042197). Invitae Evidence Modeling of protein sequence and biophysical properties (such as structural, functional, and spatial information, amino acid conservation, physicochemical variation, residue mobility, and thermodynamic stability) indicates that this missense variant is expected to disrupt KCNJ2 protein function with a positive predictive value of 95%. In summary, the available evidence is currently insufficient to determine the role of this variant in disease. Therefore, it has been classified as a Variant of Uncertain Significance.

Literature cited by the submitters: PubMed 22589293; PubMed 35460302.

NM_000891.3(KCNJ2):c.238C>T (p.Arg80Cys)

Gene: KCNJ2 (potassium inwardly rectifying channel subfamily J member 2; plus strand). Cytogenetic location: 17q24.3.
Variant type: single nucleotide variant.
Coding change: c.238C>T on transcript NM_000891.3 (MANE Select); coding-DNA position 238, C replaced by T.
Protein change: p.Arg80Cys; replaces arginine 80 with cysteine.
Molecular consequence: missense variant.
Genome position (GRCh38, 1-based): chr17:70,175,277, C>T. VCF-style: chr17-70175277-C-T. GRCh37 (hg19) VCF-style: chr17-68171418-C-T.
Other names: short protein forms R80C.
Identifiers: ClinVar variation 1042197 (VCV001042197.8), dbSNP rs2074385891, ClinGen allele CA400860166.